The following is an entry in ClinVar:

ClinVar aggregate classification (germline): Uncertain significance (1 of 4 stars; one submission).

Conditions:
Surfactant metabolism dysfunction, pulmonary, 4 (SMDP4). Also called: PULMONARY ALVEOLAR PROTEINOSIS, CONGENITAL, 4; CSF2RA DEFICIENCY; PAP DUE TO CSF2RA DEFICIENCY. Identifiers: Orphanet 264675, MedGen C2677877, MONDO:0010424, OMIM 300770.

Allele frequency attached by ClinVar (database versions not stated): TOPMed below 0.00001; gnomAD exomes 0.00003; ExAC 0.00008.
gnomAD v4.1: 43 of 1,613,996 alleles (0.0027%); highest among the groups gnomAD compares: South Asian, 0.047%; 1 homozygote.

Submission:

Labcorp Genetics (formerly Invitae), Labcorp
Classification: Uncertain significance for Surfactant metabolism dysfunction, pulmonary, 4. Last evaluated: 2022-04-09. Review status: criteria provided, single submitter. Criteria: Invitae Variant Classification Sherloc (09022015). Collection method: clinical testing. Allele origin: germline.
Comment: In summary, the available evidence is currently insufficient to determine the role of this variant in disease. Therefore, it has been classified as a Variant of Uncertain Significance. Algorithms developed to predict the effect of missense changes on protein structure and function (SIFT, PolyPhen-2, Align-GVGD) all suggest that this variant is likely to be tolerated. This variant has not been reported in the literature in individuals affected with CSF2RA-related conditions. This variant is present in population databases (no rsID available, gnomAD 0.06%). This sequence change replaces glutamic acid, which is acidic and polar, with aspartic acid, which is acidic and polar, at codon 278 of the CSF2RA protein (p.Glu278Asp).

NM_172245.4(CSF2RA):c.834A>T (p.Glu278Asp)

Gene: CSF2RA (colony stimulating factor 2 receptor subunit alpha; plus strand). Cytogenetic location: Xp22.33.
Variant type: single nucleotide variant.
Coding change: c.834A>T on transcript NM_172245.4 (MANE Select); coding-DNA position 834, A replaced by T.
Protein change: p.Glu278Asp; replaces glutamic acid 278 with aspartic acid.
Molecular consequence: missense variant. On other transcripts: intron variant (2).
Genome position (GRCh38, 1-based): chrX:1,300,514, A>T. VCF-style: chrX-1300514-A-T. GRCh37 (hg19) VCF-style: chrX-1419407-A-T.
Other names: c.834A>T, p.Glu278Asp (NM_001161529.2, NM_001161530.2, NM_001161531.2 and 18 more transcripts); c.435A>T, p.Glu145Asp (NM_001161532.2); c.804A>T, p.Glu268Asp (NM_001379160.1); c.647-4932A>T (NM_172249.4); c.854+1449A>T (NM_001379166.1); short protein forms E268D, E278D, E145D.
Identifiers: ClinVar variation 1912803 (VCV001912803.5), dbSNP rs778181682, ClinGen allele CA10331043.